The following is an entry in ClinVar:

ClinVar aggregate classification (germline): Likely benign. Review status: criteria provided, multiple submitters, no conflicts (2 of 4 stars). 4 submissions from 4 submitters: Likely benign (3). 1 of the submissions does not count toward it. Last evaluated 2026-03-27.

Conditions:
Cardiovascular phenotype. Identifiers: MedGen CN230736.
MYH6-related disorder. Also called: MYH6-Related Disorders; MYH6-related condition.
Hypertrophic cardiomyopathy 14. Identifiers: MedGen C2750467, MONDO:0013197, OMIM 613251.

Allele frequency attached by ClinVar (database versions not stated): gnomAD exomes 0.00001 and below 0.00001; TOPMed 0.00015; gnomAD 0.00007 and 0.00008.
gnomAD v4.1: 15 of 1,614,098 alleles (0.00093%); highest among the groups gnomAD compares: Admixed American, 0.022%; no homozygotes.

Submissions (4):

Ambry Genetics
Classification: Likely benign for Cardiovascular phenotype. Last evaluated: 2026-03-27. Review status: criteria provided, single submitter. Criteria: Ambry Variant Classification Scheme 2023. Collection method: clinical testing. Allele origin: germline.

Labcorp Genetics (formerly Invitae), Labcorp
Classification: Likely benign for Hypertrophic cardiomyopathy 14. Last evaluated: 2025-12-24. Review status: criteria provided, single submitter. Criteria: Invitae Variant Classification Sherloc (09022015). Collection method: clinical testing. Allele origin: germline.

GeneDx
Classification: Likely benign. Last evaluated: 2021-01-20. Review status: criteria provided, single submitter. Criteria: GeneDx Variant Classification Process June 2021. Collection method: clinical testing. Allele origin: germline. Affected: yes.

PreventionGenetics, part of Exact Sciences
Classification: Likely benign for MYH6-related condition. Last evaluated: 2021-08-11. Review status: no assertion criteria provided. Collection method: clinical testing. Allele origin: germline. Not counted in ClinVar's aggregate classification.
Comment: This variant is classified as likely benign based on ACMG/AMP sequence variant interpretation guidelines (Richards et al. 2015 PMID: 25741868, with internal and published modifications).

NM_002471.4(MYH6):c.5085G>A (p.Glu1695=)

Genes: MYH6 (myosin heavy chain 6; minus strand), LOC126861896 (BRD4-independent group 4 enhancer GRCh37_chr14:23854904-23856103; plus strand). Cytogenetic location: 14q11.2.
Variant type: single nucleotide variant.
Coding change: c.5085G>A on transcript NM_002471.4 (MANE Select); coding-DNA position 5085, G replaced by A.
Protein change: p.Glu1695=; no amino-acid change (glutamic acid 1695 retained).
Molecular consequence: synonymous variant.
Genome position (GRCh38, 1-based): chr14:23,386,006, C>T on the plus strand (G>A on the coding strand, the complement: MYH6 is on the minus strand). VCF-style: chr14-23386006-C-T. GRCh37 (hg19) VCF-style: chr14-23855215-C-T.
Identifiers: ClinVar variation 695785 (VCV000695785.18), dbSNP rs1206016022, ClinGen allele CA485607312.